The following is an entry in ClinVar:

NM_001003694.2(BRPF1):c.2436_2437insAA (p.Arg813fs)

Gene: BRPF1 (bromodomain and PHD finger containing 1; plus strand). Cytogenetic location: 3p25.3.
Variant type: Insertion.
Coding change: c.2436_2437insAA on transcript NM_001003694.2 (MANE Select); coding-DNA positions 2436 to 2437, AA inserted.
Protein change: p.Arg813fs; shifts the reading frame from arginine 813.
Molecular consequence: frameshift variant. On other transcripts: non-coding transcript variant (1).
Genome position: GRCh38 VCF-style: chr3-9743701-C-CAA. GRCh37 (hg19) VCF-style: chr3-9785385-C-CAA.
Other names: c.2418_2419insAA, p.Arg807fs (NM_001319049.2, NM_001437892.1, NM_004634.3); c.2415_2416insAA, p.Arg806fs (NM_001319050.2, NM_001438342.1, NM_001438343.1 and 1 more transcripts); c.2433_2434insAA, p.Arg812fs (NM_001410704.1, NM_001438345.1); c.2436_2437insAA, p.Arg813fs (NM_001438344.1); short protein forms R812fs, R813fs, R807fs, R806fs.
Identifiers: ClinVar variation 4599347 (VCV004599347.1).

ClinVar aggregate classification (germline): Pathogenic (1 of 4 stars; one submission).

Conditions:
Inborn genetic diseases. Identifiers: MedGen C0950123, MeSH D030342.

Submission:

Ambry Genetics
Classification: Pathogenic for Inborn genetic diseases. Last evaluated: 2025-12-04. Review status: criteria provided, single submitter. Criteria: Ambry Variant Classification Scheme 2023. Collection method: clinical testing. Allele origin: germline.
Comment: The c.2436_2437insAA (p.R813Nfs*6) alteration, located in exon 8 (coding exon 7) of the BRPF1 gene, consists of an insertion of AA at position 2436, causing a translational frameshift with a predicted alternate stop codon after 6 amino acids. This alteration is expected to result in loss of function by premature protein truncation or nonsense-mediated mRNA decay. This variant was not reported in population-based cohorts in the Genome Aggregation Database (gnomAD). Based on the available evidence, this alteration is classified as pathogenic.